The following is an entry in ClinVar:

ClinVar aggregate classification (germline): Uncertain significance (1 of 4 stars; one submission).

Conditions:
HYPERHOMOCYSTEINEMIA, THROMBOTIC, CBS-RELATED. Identifiers: MedGen C3150344, OMIM 236200.

Submission:

Labcorp Genetics (formerly Invitae), Labcorp
Classification: Uncertain significance for HYPERHOMOCYSTEINEMIA, THROMBOTIC, CBS-RELATED. Last evaluated: 2021-09-01. Review status: criteria provided, single submitter. Criteria: Invitae Variant Classification Sherloc (09022015). Collection method: clinical testing. Allele origin: germline.
Comment: This sequence change replaces threonine with isoleucine at codon 383 of the CBS protein (p.Thr383Ile). The threonine residue is weakly conserved and there is a moderate physicochemical difference between threonine and isoleucine. This variant is not present in population databases (ExAC no frequency). This variant has not been reported in the literature in individuals affected with CBS-related conditions. Algorithms developed to predict the effect of missense changes on protein structure and function are either unavailable or do not agree on the potential impact of this missense change (SIFT: "Deleterious"; PolyPhen-2: "Possibly Damaging"; Align-GVGD: "Class C0"). In summary, the available evidence is currently insufficient to determine the role of this variant in disease. Therefore, it has been classified as a Variant of Uncertain Significance.

NM_000071.3(CBS):c.1148C>T (p.Thr383Ile)

Gene: CBS (cystathionine beta-synthase; minus strand). Cytogenetic location: 21q22.3.
Variant type: single nucleotide variant.
Coding change: c.1148C>T on transcript NM_000071.3 (MANE Select); coding-DNA position 1148, C replaced by T.
Protein change: p.Thr383Ile; replaces threonine 383 with isoleucine.
Molecular consequence: missense variant.
Genome position (GRCh38, 1-based): chr21:43,059,301, G>A on the plus strand (C>T on the coding strand, the complement: CBS is on the minus strand). VCF-style: chr21-43059301-G-A. GRCh37 (hg19) VCF-style: chr21-44479411-G-A.
Other names: c.1148C>T, p.Thr383Ile (NM_001178008.3, NM_001178009.3, NM_001320298.2); c.833C>T, p.Thr278Ile (NM_001321072.1); short protein forms T383I, T278I.
Identifiers: ClinVar variation 578778 (VCV000578778.7), dbSNP rs1568924550, ClinGen allele CA410397853.